The following is an entry in ClinVar:

NM_004304.5(ALK):c.8C>T (p.Ala3Val)

Gene: ALK (ALK receptor tyrosine kinase; minus strand). Cytogenetic location: 2p23.1.
Variant type: single nucleotide variant.
Coding change: c.8C>T on transcript NM_004304.5 (MANE Select); coding-DNA position 8, C replaced by T.
Protein change: p.Ala3Val; replaces alanine 3 with valine.
Molecular consequence: missense variant.
Genome position (GRCh38, 1-based): chr2:29,920,652, G>A on the plus strand (C>T on the coding strand, the complement: ALK is on the minus strand). VCF-style: chr2-29920652-G-A. GRCh37 (hg19) VCF-style: chr2-30143518-G-A.
Other names: short protein forms A3V.
Identifiers: ClinVar variation 2187036 (VCV002187036.4), dbSNP rs2148444184, ClinGen allele CA346590860.

ClinVar aggregate classification (germline): Uncertain significance (1 of 4 stars; one submission).

Conditions:
Neuroblastoma, susceptibility to, 3. Also called: ALK-Related Neuroblastic Tumor Susceptibility. Identifiers: Orphanet 635, MedGen C2751681, MONDO:0013083, OMIM 613014.

Submission:

Labcorp Genetics (formerly Invitae), Labcorp
Classification: Uncertain significance for Neuroblastoma, susceptibility to, 3. Last evaluated: 2022-08-16. Review status: criteria provided, single submitter. Criteria: Invitae Variant Classification Sherloc (09022015). Collection method: clinical testing. Allele origin: germline.
Comment: In summary, the available evidence is currently insufficient to determine the role of this variant in disease. Therefore, it has been classified as a Variant of Uncertain Significance. Algorithms developed to predict the effect of missense changes on protein structure and function (SIFT, PolyPhen-2, Align-GVGD) all suggest that this variant is likely to be tolerated. This variant has not been reported in the literature in individuals affected with ALK-related conditions. This variant is not present in population databases (gnomAD no frequency). This sequence change replaces alanine, which is neutral and non-polar, with valine, which is neutral and non-polar, at codon 3 of the ALK protein (p.Ala3Val).